The following is an entry in ClinVar:

NM_006663.4(PPP1R13L):c.1002C>T (p.Gly334=)

Gene: PPP1R13L (protein phosphatase 1 regulatory subunit 13 like; minus strand). Cytogenetic location: 19q13.32.
Variant type: single nucleotide variant.
Coding change: c.1002C>T on transcript NM_006663.4 (MANE Select); coding-DNA position 1002, C replaced by T.
Protein change: p.Gly334=; no amino-acid change (glycine 334 retained).
Molecular consequence: synonymous variant.
Genome position (GRCh38, 1-based): chr19:45,395,788, G>A on the plus strand (C>T on the coding strand, the complement: PPP1R13L is on the minus strand). VCF-style: chr19-45395788-G-A. GRCh37 (hg19) VCF-style: chr19-45899046-G-A.
Other names: c.1002C>T, p.Gly334= (NM_001142502.2).
Identifiers: ClinVar variation 2650108 (VCV002650108.24), dbSNP rs1973074643, ClinGen allele CA507823195.

ClinVar aggregate classification (germline): Likely benign (1 of 4 stars; one submission).

Submission:

CeGaT Center for Human Genetics Tuebingen
Classification: Likely benign. Last evaluated: 2022-12-01. Review status: criteria provided, single submitter. Criteria: CeGaT Center For Human Genetics Tuebingen Variant Classification Criteria Version 2. Collection method: clinical testing. Allele origin: germline. Affected: yes. Observed: 1 variant allele.
Comment: PPP1R13L: PM2:Supporting, BP4, BS2